The following is an entry in ClinVar:

ClinVar aggregate classification (germline): Uncertain significance (1 of 4 stars; one submission).

Conditions:
Osteogenesis imperfecta type I (OI1). Also called: OI, TYPE I; OSTEOGENESIS IMPERFECTA TARDA; OSTEOGENESIS IMPERFECTA WITH BLUE SCLERAE; Osteogenesis imperfecta type 1; Classic Non-deforming Osteogenesis Imperfecta with Blue Sclerae; Lobstein's Disease. Identifiers: Orphanet 216796, Orphanet 666, MedGen C0023931, MONDO:0008146, OMIM 166200. Disease mechanism: loss of function.

Submission:

Labcorp Genetics (formerly Invitae), Labcorp
Classification: Uncertain significance for Osteogenesis imperfecta type I. Last evaluated: 2025-03-10. Review status: criteria provided, single submitter. Criteria: Invitae Variant Classification Sherloc (09022015). Collection method: clinical testing. Allele origin: germline.
Comment: This sequence change replaces proline, which is neutral and non-polar, with leucine, which is neutral and non-polar, at codon 823 of the COL1A1 protein (p.Pro823Leu). This variant is not present in population databases (gnomAD no frequency). This variant has not been reported in the literature in individuals affected with COL1A1-related conditions. ClinVar contains an entry for this variant (Variation ID: 2772973). Invitae Evidence Modeling of protein sequence and biophysical properties (such as structural, functional, and spatial information, amino acid conservation, physicochemical variation, residue mobility, and thermodynamic stability) indicates that this missense variant is expected to disrupt COL1A1 protein function with a positive predictive value of 95%. In summary, the available evidence is currently insufficient to determine the role of this variant in disease. Therefore, it has been classified as a Variant of Uncertain Significance.

NM_000088.4(COL1A1):c.2468C>T (p.Pro823Leu)

Gene: COL1A1 (collagen type I alpha 1 chain; minus strand). Cytogenetic location: 17q21.33.
Variant type: single nucleotide variant.
Coding change: c.2468C>T on transcript NM_000088.4 (MANE Select); coding-DNA position 2468, C replaced by T.
Protein change: p.Pro823Leu; replaces proline 823 with leucine.
Molecular consequence: missense variant.
Genome position (GRCh38, 1-based): chr17:50,190,092, G>A on the plus strand (C>T on the coding strand, the complement: COL1A1 is on the minus strand). VCF-style: chr17-50190092-G-A. GRCh37 (hg19) VCF-style: chr17-48267453-G-A.
Other names: short protein forms P823L.
Identifiers: ClinVar variation 2772973 (VCV002772973.3), dbSNP rs2509188986, ClinGen allele CA400207863.